The following is an entry in ClinVar:

NM_198123.2(CSMD3):c.4928A>G (p.Tyr1643Cys)

Gene: CSMD3 (CUB and Sushi multiple domains 3; minus strand). Cytogenetic location: 8q23.3.
Variant type: single nucleotide variant.
Coding change: c.4928A>G on transcript NM_198123.2 (MANE Select); coding-DNA position 4928, A replaced by G.
Protein change: p.Tyr1643Cys; replaces tyrosine 1643 with cysteine.
Molecular consequence: missense variant.
Genome position (GRCh38, 1-based): chr8:112,503,945, T>C on the plus strand (A>G on the coding strand, the complement: CSMD3 is on the minus strand). VCF-style: chr8-112503945-T-C. GRCh37 (hg19) VCF-style: chr8-113516174-T-C.
Other names: c.4538A>G, p.Tyr1513Cys (NM_001363185.1); c.4616A>G, p.Tyr1539Cys (NM_052900.3); c.4808A>G, p.Tyr1603Cys (NM_198124.2); short protein forms Y1513C, Y1539C, Y1603C, Y1643C.
Identifiers: ClinVar variation 3056963 (VCV003056963.3), dbSNP rs148571616, ClinGen allele CA4850005.

ClinVar aggregate classification (germline): Likely benign. Review status: criteria provided, single submitter (1 of 4 stars). 2 submissions from 2 submitters: Likely benign (1). 1 of the submissions does not count toward it.

Conditions:
CSMD3-related disorder. Also called: CSMD3-related condition.

Allele frequency attached by ClinVar (database versions not stated): gnomAD exomes 0.00011; ExAC 0.00031; 1000 Genomes Project 30x 0.00078; 1000 Genomes Project 0.00080; gnomAD 0.00086; TOPMed 0.00107; ESP Exome Variant Server 0.00161.
gnomAD v4.1: 297 of 1,610,050 alleles (0.018%); highest among the groups gnomAD compares: African/African-American, 0.3%; 2 homozygotes.

Submissions (2):

Breakthrough Genomics
Classification: Likely benign. Review status: criteria provided, single submitter. Criteria: ACMG Guidelines, 2015. Collection method: not provided. Allele origin: germline. Inheritance: Unknown mechanism. Affected: yes.

PreventionGenetics, part of Exact Sciences
Classification: Likely benign for CSMD3-related condition. Last evaluated: 2022-11-08. Review status: no assertion criteria provided. Collection method: clinical testing. Allele origin: germline. Not counted in ClinVar's aggregate classification.
Comment: This variant is classified as likely benign based on ACMG/AMP sequence variant interpretation guidelines (Richards et al. 2015 PMID: 25741868, with internal and published modifications).